The following is an entry in ClinVar:

ClinVar aggregate classification (germline): Uncertain significance (1 of 4 stars; one submission).

Conditions:
Hereditary cancer-predisposing syndrome. Also called: Neoplastic Syndromes, Hereditary; Tumor predisposition; Hereditary neoplastic syndrome; Hereditary Cancer Syndrome. Identifiers: Orphanet 140162, MedGen C0027672, MeSH D009386, MONDO:0015356.

Submission:

Ambry Genetics
Classification: Uncertain significance for Hereditary cancer-predisposing syndrome. Last evaluated: 2026-06-15. Review status: criteria provided, single submitter. Criteria: Ambry Variant Classification Scheme 2023. Collection method: clinical testing. Allele origin: germline.
Comment: The c.-2C>G variant is located in the 5' untranslated region (5&rsquo; UTR) of the PRKAR1A gene. This variant results from a C to G substitution 2 bases upstream from the first translated codon. This nucleotide position is not well conserved in available vertebrate species. Based on the available evidence, the clinical significance of this variant remains unclear.

NM_002734.5(PRKAR1A):c.-2C>G

Gene: PRKAR1A (protein kinase cAMP-dependent type I regulatory subunit alpha; plus strand). Cytogenetic location: 17q24.2.
Variant type: single nucleotide variant.
Coding change: c.-2C>G on transcript NM_002734.5 (MANE Select); 2 bases upstream of the start codon, C replaced by G.
Molecular consequence: 5 prime UTR variant.
Genome position (GRCh38, 1-based): chr17:68,515,398, C>G. VCF-style: chr17-68515398-C-G. GRCh37 (hg19) VCF-style: chr17-66511539-C-G.
Other names: c.-2C>G (NM_001276289.2, NM_001276290.1, NM_001278433.2 and 4 more transcripts).
Identifiers: ClinVar variation 5027293 (VCV005027293.1).